The following is an entry in ClinVar:

NM_001330700.2(TOP2B):c.3640A>G (p.Lys1214Glu)

Gene: TOP2B (DNA topoisomerase II beta; minus strand). Cytogenetic location: 3p24.2.
Variant type: single nucleotide variant.
Coding change: c.3640A>G on transcript NM_001330700.2 (MANE Select); coding-DNA position 3640, A replaced by G.
Protein change: p.Lys1214Glu; replaces lysine 1214 with glutamic acid.
Molecular consequence: missense variant.
Genome position (GRCh38, 1-based): chr3:25,612,661, T>C on the plus strand (A>G on the coding strand, the complement: TOP2B is on the minus strand). VCF-style: chr3-25612661-T-C. GRCh37 (hg19) VCF-style: chr3-25654152-T-C.
Other names: c.3625A>G, p.Lys1209Glu (NM_001068.3); short protein forms K1214E, K1209E.
Identifiers: ClinVar variation 4994220 (VCV004994220.1).

ClinVar aggregate classification (germline): Uncertain significance (1 of 4 stars; one submission).

Conditions:
TOP2B-related disorder. Also called: TOP2B-related condition.

gnomAD v4.1: 2 of 1,613,682 alleles (0.00012%); highest among the groups gnomAD compares: Non-Finnish European, 0.00017%; no homozygotes.

Submission:

PreventionGenetics, part of Exact Sciences
Classification: Uncertain significance for TOP2B-related condition. Last evaluated: 2025-08-20. Review status: criteria provided, single submitter. Criteria: ACMG Guidelines, 2015. Collection method: clinical testing. Allele origin: germline.
Comment: The TOP2B c.3640A>G variant is predicted to result in the amino acid substitution p.Lys1214Glu. To our knowledge, this variant has not been reported in the literature or in a large population database (gnomAD), indicating this variant is rare. At this time, the clinical significance of this variant is uncertain due to the absence of conclusive functional and genetic evidence.